The following is an entry in ClinVar:

ClinVar aggregate classification (germline): Uncertain significance. Review status: criteria provided, multiple submitters, no conflicts (2 of 4 stars). 2 submissions from 2 submitters: Uncertain significance (2). Last evaluated 2025-08-14.

Conditions:
Inborn genetic diseases. Identifiers: MedGen C0950123, MeSH D030342.

gnomAD v4.1: 6 of 1,606,148 alleles (0.00037%); highest among the groups gnomAD compares: East Asian, 0.0022%; no homozygotes.

Submissions (2):

Ambry Genetics
Classification: Uncertain significance for Inborn genetic diseases. Last evaluated: 2025-08-14. Review status: criteria provided, single submitter. Criteria: Ambry Variant Classification Scheme 2023. Collection method: clinical testing. Allele origin: germline.

Women's Health and Genetics/Laboratory Corporation of America, LabCorp
Classification: Uncertain significance. Last evaluated: 2025-02-20. Review status: criteria provided, single submitter. Criteria: LabCorp Variant Classification Summary - May 2015. Collection method: clinical testing. Allele origin: germline.
Comment: Variant summary: NBEA c.3974G>A (p.Arg1325Gln) results in a conservative amino acid change in the encoded protein sequence. Three of five in-silico tools predict a benign effect of the variant on protein function. The variant allele was found at a frequency of 4.3e-06 in 234732 control chromosomes. The available data on variant occurrences in the general population are insufficient to allow any conclusion about variant significance. To our knowledge, no occurrence of c.3974G>A in individuals affected with Neurodevelopmental Disorder With Or Without Early-Onset Generalized Epilepsy and no experimental evidence demonstrating its impact on protein function have been reported. No submitters have cited clinical-significance assessments for this variant to ClinVar. Based on the evidence outlined above, the variant was classified as uncertain significance.

NM_001385012.1(NBEA):c.3974G>A (p.Arg1325Gln)

Gene: NBEA (neurobeachin; plus strand). Cytogenetic location: 13q13.3.
Variant type: single nucleotide variant.
Coding change: c.3974G>A on transcript NM_001385012.1 (MANE Select); coding-DNA position 3974, G replaced by A.
Protein change: p.Arg1325Gln; replaces arginine 1325 with glutamine.
Molecular consequence: missense variant.
Genome position (GRCh38, 1-based): chr13:35,161,862, G>A. VCF-style: chr13-35161862-G-A. GRCh37 (hg19) VCF-style: chr13-35735999-G-A.
Other names: c.3974G>A, p.Arg1325Gln (NM_001379245.1, NM_015678.5); c.3974G>A (NM_015678.4); short protein forms R1325Q.
Identifiers: ClinVar variation 3768918 (VCV003768918.2).